The following is an entry in ClinVar:

NM_015335.5(MED13L):c.3295A>G (p.Thr1099Ala)

Gene: MED13L (mediator complex subunit 13L; minus strand). Cytogenetic location: 12q24.21.
Variant type: single nucleotide variant.
Coding change: c.3295A>G on transcript NM_015335.5 (MANE Select); coding-DNA position 3295, A replaced by G.
Protein change: p.Thr1099Ala; replaces threonine 1099 with alanine.
Molecular consequence: missense variant.
Genome position (GRCh38, 1-based): chr12:115,991,659, T>C on the plus strand (A>G on the coding strand, the complement: MED13L is on the minus strand). VCF-style: chr12-115991659-T-C. GRCh37 (hg19) VCF-style: chr12-116429464-T-C.
Other names: short protein forms T1099A.
Identifiers: ClinVar variation 2886874 (VCV002886874.3), dbSNP rs1270331554, ClinGen allele CA386888319.

ClinVar aggregate classification (germline): Uncertain significance (1 of 4 stars; one submission).

Conditions:
Dextro-looped transposition of the great arteries. Also called: Dextrotransposition of the great arteries. Identifiers: Orphanet 860, MedGen C3531771, MONDO:0019443, OMIM 608808, HP:0031348.

Allele frequency attached by ClinVar (database versions not stated): gnomAD exomes below 0.00001; TOPMed 0.00001.
gnomAD v4.1: 1 of 1,613,940 alleles (0.000062%); highest among the groups gnomAD compares: Admixed American, 0.0017%; no homozygotes.

Submission:

Labcorp Genetics (formerly Invitae), Labcorp
Classification: Uncertain significance for Dextro-looped transposition of the great arteries. Last evaluated: 2023-03-02. Review status: criteria provided, single submitter. Criteria: Invitae Variant Classification Sherloc (09022015). Collection method: clinical testing. Allele origin: germline.
Comment: In summary, the available evidence is currently insufficient to determine the role of this variant in disease. Therefore, it has been classified as a Variant of Uncertain Significance. Advanced modeling of protein sequence and biophysical properties (such as structural, functional, and spatial information, amino acid conservation, physicochemical variation, residue mobility, and thermodynamic stability) performed at Invitae indicates that this missense variant is not expected to disrupt MED13L protein function. This variant has not been reported in the literature in individuals affected with MED13L-related conditions. This variant is present in population databases (no rsID available, gnomAD 0.003%). This sequence change replaces threonine, which is neutral and polar, with alanine, which is neutral and non-polar, at codon 1099 of the MED13L protein (p.Thr1099Ala).